The following is an entry in ClinVar:

NM_002734.5(PRKAR1A):c.236A>G (p.Glu79Gly)

Gene: PRKAR1A (protein kinase cAMP-dependent type I regulatory subunit alpha; plus strand). Cytogenetic location: 17q24.2.
Variant type: single nucleotide variant.
Coding change: c.236A>G on transcript NM_002734.5 (MANE Select); coding-DNA position 236, A replaced by G.
Protein change: p.Glu79Gly; replaces glutamic acid 79 with glycine.
Molecular consequence: missense variant.
Genome position (GRCh38, 1-based): chr17:68,522,814, A>G. VCF-style: chr17-68522814-A-G. GRCh37 (hg19) VCF-style: chr17-66518955-A-G.
Other names: c.236A>G, p.Glu79Gly (NM_001276289.2, NM_001276290.1, NM_001278433.2 and 4 more transcripts); short protein forms E79G.
Identifiers: ClinVar variation 821165 (VCV000821165.5), dbSNP rs1600478702, ClinGen allele CA400752282.

ClinVar aggregate classification (germline): Uncertain significance (1 of 4 stars; one submission).

Conditions:
Hereditary cancer-predisposing syndrome. Also called: Neoplastic Syndromes, Hereditary; Tumor predisposition; Hereditary Cancer Syndrome; Hereditary neoplastic syndrome. Identifiers: Orphanet 140162, MedGen C0027672, MeSH D009386, MONDO:0015356.

Submission:

Ambry Genetics
Classification: Uncertain significance for Hereditary cancer-predisposing syndrome. Last evaluated: 2025-01-22. Review status: criteria provided, single submitter. Criteria: Ambry Variant Classification Scheme 2023. Collection method: clinical testing. Allele origin: germline.
Comment: The p.E79G variant (also known as c.236A>G), located in coding exon 2 of the PRKAR1A gene, results from an A to G substitution at nucleotide position 236. The glutamic acid at codon 79 is replaced by glycine, an amino acid with similar properties. This amino acid position is well conserved in available vertebrate species. In addition, the in silico prediction for this alteration is inconclusive. Based on the available evidence, the clinical significance of this variant remains unclear.